The following is an entry in ClinVar:

ClinVar aggregate classification (germline): Pathogenic (1 of 4 stars; one submission).

Submission:

GeneDx
Classification: Pathogenic. Last evaluated: 2024-03-01. Review status: criteria provided, single submitter. Criteria: GeneDx Variant Classification Process June 2021. Collection method: clinical testing. Allele origin: germline. Affected: yes.
Comment: Frameshift variant predicted to result in protein truncation or nonsense mediated decay in a gene for which loss of function is a known mechanism of disease; Not observed at significant frequency in large population cohorts (gnomAD); Has not been previously published as pathogenic or benign to our knowledge

NM_004247.4(EFTUD2):c.1982del (p.Thr661fs)

Gene: EFTUD2 (elongation factor Tu GTP binding domain containing 2; minus strand). Cytogenetic location: 17q21.31.
Variant type: Deletion.
Coding change: c.1982del on transcript NM_004247.4 (MANE Select); coding-DNA position 1982, one base deleted (C; older notation c.1982delC).
Protein change: p.Thr661fs; shifts the reading frame from threonine 661.
Molecular consequence: frameshift variant.
Genome position (GRCh38, 1-based): chr17:44,857,138, G deleted on the plus strand (C on the coding strand, the reverse complement: EFTUD2 is on the minus strand). VCF-style (leftmost placement, unchanged base first): chr17-44857137-CG-C. GRCh37 (hg19) VCF-style: chr17-42934505-CG-C.
Other names: c.1877del, p.Thr626fs (NM_001142605.2); c.1982del, p.Thr661fs (NM_001258353.2); c.1952del, p.Thr651fs (NM_001258354.2); short protein forms T626fs, T651fs, T661fs.
Identifiers: ClinVar variation 3252807 (VCV003252807.1), dbSNP rs2508740991.